The following is an entry in ClinVar:

NM_000218.3(KCNQ1):c.1032+4G>C

Gene: KCNQ1 (potassium voltage-gated channel subfamily Q member 1; plus strand). Cytogenetic location: 11p15.5.
Variant type: single nucleotide variant.
Coding change: c.1032+4G>C on transcript NM_000218.3 (MANE Select); 4 bases into the intron after coding-DNA position 1032, G replaced by C.
Molecular consequence: intron variant.
Genome position (GRCh38, 1-based): chr11:2,583,549, G>C. VCF-style: chr11-2583549-G-C. GRCh37 (hg19) VCF-style: chr11-2604779-G-C.
Other names: c.762+4G>C (NM_001406837.1); c.1032+4G>C (NM_001406836.1); c.588+4G>C (NM_001406838.1); c.651+4G>C (NM_181798.2).
Identifiers: ClinVar variation 2994169 (VCV002994169.3), dbSNP rs2493696418, ClinGen allele CA2740093573.

ClinVar aggregate classification (germline): Uncertain significance (1 of 4 stars; one submission).

Conditions:
Long QT syndrome (LQTS). Identifiers: MedGen C0023976, MeSH D008133, MONDO:0002442. Disease mechanism: loss of function. Inheritance: Various modes of inheritance.

Submission:

Labcorp Genetics (formerly Invitae), Labcorp
Classification: Uncertain significance for Long QT syndrome. Last evaluated: 2023-07-06. Review status: criteria provided, single submitter. Criteria: Invitae Variant Classification Sherloc (09022015). Collection method: clinical testing. Allele origin: germline.
Comment: Variants that disrupt the consensus splice site are a relatively common cause of aberrant splicing (PMID: 17576681, 9536098). Algorithms developed to predict the effect of sequence changes on RNA splicing suggest that this variant is not likely to affect RNA splicing. In summary, the available evidence is currently insufficient to determine the role of this variant in disease. Therefore, it has been classified as a Variant of Uncertain Significance. This variant has not been reported in the literature in individuals affected with KCNQ1-related conditions. This variant is not present in population databases (gnomAD no frequency). This sequence change falls in intron 7 of the KCNQ1 gene. It does not directly change the encoded amino acid sequence of the KCNQ1 protein. It affects a nucleotide within the consensus splice site.

Literature cited by the submitters: PubMed 17576681; PubMed 9536098.